The following is an entry in ClinVar:

ClinVar aggregate classification (germline): Uncertain significance (1 of 4 stars; one submission).

Allele frequency attached by ClinVar (database versions not stated): gnomAD exomes below 0.00001; gnomAD 0.00001.
gnomAD v4.1: 2 of 1,611,926 alleles (0.00012%); highest among the groups gnomAD compares: Non-Finnish European, 0.00017%; no homozygotes.

Submission:

GeneDx
Classification: Uncertain significance. Last evaluated: 2022-05-31. Review status: criteria provided, single submitter. Criteria: GeneDx Variant Classification Process June 2021. Collection method: clinical testing. Allele origin: germline. Affected: yes.
Comment: Not observed at significant frequency in large population cohorts (gnomAD); In silico analysis supports that this missense variant does not alter protein structure/function; Has not been previously published as pathogenic or benign to our knowledge

NM_182943.3(PLOD2):c.1437G>T (p.Arg479Ser)

Gene: PLOD2 (procollagen-lysine,2-oxoglutarate 5-dioxygenase 2; minus strand). Cytogenetic location: 3q24.
Variant type: single nucleotide variant.
Coding change: c.1437G>T on transcript NM_182943.3 (MANE Select); coding-DNA position 1437, G replaced by T.
Protein change: p.Arg479Ser; replaces arginine 479 with serine.
Molecular consequence: missense variant.
Genome position (GRCh38, 1-based): chr3:146,079,179, C>A on the plus strand (G>T on the coding strand, the complement: PLOD2 is on the minus strand). VCF-style: chr3-146079179-C-A. GRCh37 (hg19) VCF-style: chr3-145796966-C-A.
Other names: c.1437G>T, p.Arg479Ser (NM_000935.3); short protein forms R479S.
Identifiers: ClinVar variation 1802070 (VCV001802070.1), dbSNP rs1187428023, ClinGen allele CA354888428.